The following is an entry in ClinVar:

NM_004304.5(ALK):c.4701G>C (p.Lys1567Asn)

Gene: ALK (ALK receptor tyrosine kinase; minus strand). Cytogenetic location: 2p23.2.
Variant type: single nucleotide variant.
Coding change: c.4701G>C on transcript NM_004304.5 (MANE Select); coding-DNA position 4701, G replaced by C.
Protein change: p.Lys1567Asn; replaces lysine 1567 with asparagine.
Molecular consequence: missense variant.
Genome position (GRCh38, 1-based): chr2:29,193,386, C>G on the plus strand (G>C on the coding strand, the complement: ALK is on the minus strand). VCF-style: chr2-29193386-C-G. GRCh37 (hg19) VCF-style: chr2-29416252-C-G.
Other names: c.1497G>C, p.Lys499Asn (NM_001353765.2); short protein forms K1567N, K499N.
Identifiers: ClinVar variation 839534 (VCV000839534.11), dbSNP rs1413940049, ClinGen allele CA346460426.

ClinVar aggregate classification (germline): Uncertain significance. Review status: criteria provided, multiple submitters, no conflicts (2 of 4 stars). 3 submissions from 3 submitters: Uncertain significance (3). Last evaluated 2025-08-18.

Conditions:
Hereditary cancer-predisposing syndrome. Also called: Neoplastic Syndromes, Hereditary; Hereditary neoplastic syndrome; Tumor predisposition; Hereditary Cancer Syndrome. Identifiers: Orphanet 140162, MedGen C0027672, MeSH D009386, MONDO:0015356.
Neuroblastoma, susceptibility to, 3. Also called: ALK-Related Neuroblastic Tumor Susceptibility. Identifiers: Orphanet 635, MedGen C2751681, MONDO:0013083, OMIM 613014.

Allele frequency attached by ClinVar (database versions not stated): TOPMed below 0.00001; gnomAD exomes 0.00001.
gnomAD v4.1: 4 of 1,614,192 alleles (0.00025%); highest among the groups gnomAD compares: Non-Finnish European, 0.00034%; no homozygotes.

Submissions (3):

Labcorp Genetics (formerly Invitae), Labcorp
Classification: Uncertain significance for Neuroblastoma, susceptibility to, 3. Last evaluated: 2025-08-18. Review status: criteria provided, single submitter. Criteria: Invitae Variant Classification Sherloc (09022015). Collection method: clinical testing. Allele origin: germline.
Comment: This sequence change replaces lysine, which is basic and polar, with asparagine, which is neutral and polar, at codon 1567 of the ALK protein (p.Lys1567Asn). This variant is present in population databases (no rsID available, gnomAD 0.002%). This variant has not been reported in the literature in individuals affected with ALK-related conditions. ClinVar contains an entry for this variant (Variation ID: 839534). An algorithm developed to predict the effect of missense changes on protein structure and function (PolyPhen-2) suggests that this variant is likely to be tolerated. In summary, the available evidence is currently insufficient to determine the role of this variant in disease. Therefore, it has been classified as a Variant of Uncertain Significance.

Ambry Genetics
Classification: Uncertain significance for Hereditary cancer-predisposing syndrome. Last evaluated: 2024-07-27. Review status: criteria provided, single submitter. Criteria: Ambry Variant Classification Scheme 2023. Collection method: clinical testing. Allele origin: germline.
Comment: The p.K1567N variant (also known as c.4701G>C), located in coding exon 29 of the ALK gene, results from a G to C substitution at nucleotide position 4701. The lysine at codon 1567 is replaced by asparagine, an amino acid with similar properties. This amino acid position is conserved. In addition, this alteration is predicted to be tolerated by in silico analysis. Based on the available evidence, the clinical significance of this variant remains unclear.

Baylor Genetics
Classification: Uncertain significance for Neuroblastoma, susceptibility to, 3. Last evaluated: 2024-02-06. Review status: criteria provided, single submitter. Criteria: ACMG Guidelines, 2015. Collection method: clinical testing. Allele origin: unknown.